The following is an entry in ClinVar:

NM_053025.4(MYLK):c.2073C>T (p.Gly691=)

Gene: MYLK (myosin light chain kinase; minus strand). Cytogenetic location: 3q21.1.
Variant type: single nucleotide variant.
Coding change: c.2073C>T on transcript NM_053025.4 (MANE Select); coding-DNA position 2073, C replaced by T.
Protein change: p.Gly691=; no amino-acid change (glycine 691 retained).
Molecular consequence: synonymous variant.
Genome position (GRCh38, 1-based): chr3:123,708,765, G>A on the plus strand (C>T on the coding strand, the complement: MYLK is on the minus strand). VCF-style: chr3-123708765-G-A. GRCh37 (hg19) VCF-style: chr3-123427612-G-A.
Other names: c.1545C>T, p.Gly515= (NM_001321309.2); c.1866C>T, p.Gly622= (NM_053026.4, NM_053028.4); c.2073C>T, p.Gly691= (NM_053027.4).
Identifiers: ClinVar variation 4685851 (VCV004685851.1).
Genomic context (GRCh38, chr3:123,708,765, plus strand): 5'-CGTGAGCACGGCCTGGGTGCGGACCTCTCCAGCGCTGTTCCAGGCCTCGCAGGTGTACGT[G>A]CCCGTGTCCTCCGGGAACACTTCCTGGATACAAAGGCTGTGCTGAGTTCCTCTCTGTTCA-3'
Protein context (NP_444253.3, residues 681-701): CIQEVFPEDT[Gly691=]TYTCEAWNSA

ClinVar aggregate classification (germline): Uncertain significance (1 of 4 stars; one submission).

Submission:

ARUP Laboratories, Molecular Genetics and Genomics, ARUP Laboratories
Classification: Uncertain significance. Last evaluated: 2025-05-29. Review status: criteria provided, single submitter. Criteria: ARUP Molecular Germline Variant Investigation Process 2024. Collection method: clinical testing. Allele origin: germline.
Comment: The MYLK c.2073C>T; p.Gly691= variant, to our knowledge, is not reported in the medical literature or gene specific databases. This variant is also absent from the Genome Aggregation Database (v2.1.1), indicating it is not a common polymorphism. This is a synonymous variant and computational analyses (Alamut Visual Plus v.1.12) predict that this variant may impact splicing by creating a novel cryptic donor splice site. However, given the lack of clinical and functional data, the significance of this variant is uncertain at this time.